The following is an entry in ClinVar:

NM_000291.4(PGK1):c.390G>A (p.Gly130=)

Gene: PGK1 (phosphoglycerate kinase 1; plus strand). Cytogenetic location: Xq21.1.
Variant type: single nucleotide variant.
Coding change: c.390G>A on transcript NM_000291.4 (MANE Select); coding-DNA position 390, G replaced by A.
Protein change: p.Gly130=; no amino-acid change (glycine 130 retained).
Molecular consequence: synonymous variant.
Genome position (GRCh38, 1-based): chrX:78,114,133, G>A. VCF-style: chrX-78114133-G-A. GRCh37 (hg19) VCF-style: chrX-77369630-G-A.
Identifiers: ClinVar variation 793409 (VCV000793409.38), dbSNP rs146350576, ClinGen allele CA10459679.
Genomic context (GRCh38, chrX:78,114,133, plus strand): 5'-CCCAGCTGCTGGGTCTGTCATCCTGCTGGAGAACCTCCGCTTTCATGTGGAGGAAGAAGG[G>A]AAGGGAAAAGATGCTTCTGGGAACAAGGTAGGACCTGTGATTTTGACATTATTGGGGGTG-3'
Protein context (NP_000282.1, residues 120-140): ENLRFHVEEE[Gly130=]KGKDASGNKV

ClinVar aggregate classification (germline): Benign/Likely benign. Review status: criteria provided, multiple submitters, no conflicts (2 of 4 stars). 7 submissions from 7 submitters: Benign (1); Likely benign (5). 1 of the submissions does not count toward it. Last evaluated 2025-11-21.

Conditions:
PGK1-related disorder. Also called: PGK1-related condition.
Inborn genetic diseases. Identifiers: MedGen C0950123, MeSH D030342.
Glycogen storage disease due to phosphoglycerate kinase 1 deficiency. Also called: PHOSPHOGLYCERATE KINASE 1 DEFICIENCY WITH LEVO-DOPA-RESPONSIVE PARKINSONISM; PGK1 DEFICIENCY. Identifiers: Orphanet 713, MedGen C1970848, MONDO:0010392, OMIM 300653.

Allele frequency attached by ClinVar (database versions not stated): gnomAD exomes 0.00008 and 0.00022; ExAC 0.00028; gnomAD 0.00083 and 0.00085; TOPMed 0.00087; ESP Exome Variant Server 0.00114; 1000 Genomes Project 0.00132; 1000 Genomes Project 30x 0.00166.
gnomAD v4.1: 178 of 1,209,457 alleles (0.015%); highest among the groups gnomAD compares: African/African-American, 0.31%; 1 homozygote.

Submissions (7):

Labcorp Genetics (formerly Invitae), Labcorp
Classification: Benign. Last evaluated: 2025-11-21. Review status: criteria provided, single submitter. Criteria: Invitae Variant Classification Sherloc (09022015). Collection method: clinical testing. Allele origin: germline.

Blueprint Genetics
Classification: Likely benign. Last evaluated: 2024-11-06. Review status: criteria provided, single submitter. Criteria: ACMG Guidelines, 2015. Collection method: clinical testing. Allele origin: germline.

ARUP Laboratories, Molecular Genetics and Genomics, ARUP Laboratories
Classification: Likely benign for Glycogen storage disease due to phosphoglycerate kinase 1 deficiency. Last evaluated: 2024-03-04. Review status: criteria provided, single submitter. Criteria: ARUP Molecular Germline Variant Investigation Process 2024. Collection method: clinical testing. Allele origin: germline.

CeGaT Center for Human Genetics Tuebingen
Classification: Likely benign. Last evaluated: 2023-09-01. Review status: criteria provided, single submitter. Criteria: CeGaT Center For Human Genetics Tuebingen Variant Classification Criteria Version 2. Collection method: clinical testing. Allele origin: germline. Affected: yes. Observed: 1 variant allele.
Comment: PGK1: BP4, BS2

Fulgent Genetics
Classification: Likely benign for Glycogen storage disease due to phosphoglycerate kinase 1 deficiency. Last evaluated: 2021-11-09. Review status: criteria provided, single submitter. Criteria: ACMG Guidelines, 2015. Collection method: clinical testing. Allele origin: unknown.

Ambry Genetics
Classification: Likely benign for Inborn genetic diseases. Last evaluated: 2014-07-25. Review status: criteria provided, single submitter. Criteria: Ambry Variant Classification Scheme 2023. Collection method: clinical testing. Allele origin: germline.

PreventionGenetics, part of Exact Sciences
Classification: Likely benign for PGK1-related condition. Last evaluated: 2019-12-09. Review status: no assertion criteria provided. Collection method: clinical testing. Allele origin: germline. Not counted in ClinVar's aggregate classification.
Comment: This variant is classified as likely benign based on ACMG/AMP sequence variant interpretation guidelines (Richards et al. 2015 PMID: 25741868, with internal and published modifications).